The following is an entry in ClinVar:

NM_139076.3(ABRAXAS1):c.207G>C (p.Gln69His)

Gene: ABRAXAS1 (abraxas 1, BRCA1 A complex subunit; minus strand). Cytogenetic location: 4q21.23.
Variant type: single nucleotide variant.
Coding change: c.207G>C on transcript NM_139076.3 (MANE Select); coding-DNA position 207, G replaced by C.
Protein change: p.Gln69His; replaces glutamine 69 with histidine.
Molecular consequence: missense variant. On other transcripts: 5 prime UTR variant (1).
Genome position (GRCh38, 1-based): chr4:83,476,651, C>G on the plus strand (G>C on the coding strand, the complement: ABRAXAS1 is on the minus strand). VCF-style: chr4-83476651-C-G. GRCh37 (hg19) VCF-style: chr4-84397804-C-G.
Other names: c.-54G>C (NM_001345962.2); short protein forms Q69H.
Identifiers: ClinVar variation 3447385 (VCV003447385.1).

ClinVar aggregate classification (germline): Uncertain significance (1 of 4 stars; one submission).

Submission:

Ambry Genetics
Classification: Uncertain significance. Last evaluated: 2024-09-24. Review status: criteria provided, single submitter. Criteria: Ambry Variant Classification Scheme 2023. Collection method: clinical testing. Allele origin: germline.
Comment: The p.Q69H variant (also known as c.207G>C), located in coding exon 3 of the FAM175A gene, results from a G to C substitution at nucleotide position 207. The glutamine at codon 69 is replaced by histidine, an amino acid with highly similar properties. This amino acid position is conserved. In addition, this alteration is predicted to be tolerated by in silico analysis. Based on the available evidence, the clinical significance of this variant remains unclear.